The following is an entry in ClinVar:

ClinVar aggregate classification (germline): Likely benign (1 of 4 stars; one submission).

Allele frequency attached by ClinVar (database versions not stated): gnomAD 0.00857 and 0.00917; 1000 Genomes Project 0.00938; TOPMed 0.00944; 1000 Genomes Project 30x 0.00984.
gnomAD v4.1: 1,288 of 152,200 alleles (0.85%); highest among the groups gnomAD compares: African/African-American, 3%; 25 homozygotes.

Submission:

GeneDx
Classification: Likely benign. Last evaluated: 2018-06-14. Review status: criteria provided, single submitter. Criteria: GeneDx Variant Classification (06012015). Collection method: clinical testing. Allele origin: germline. Affected: yes.
Comment: This variant is considered likely benign or benign based on one or more of the following criteria: it is a conservative change, it occurs at a poorly conserved position in the protein, it is predicted to be benign by multiple in silico algorithms, and/or has population frequency not consistent with disease.

NM_001042492.3(NF1):c.4174-287G>A

Gene: NF1 (neurofibromin 1; plus strand). Cytogenetic location: 17q11.2.
Variant type: single nucleotide variant.
Coding change: c.4174-287G>A on transcript NM_001042492.3 (MANE Select); 287 bases into the intron before coding-DNA position 4174, G replaced by A.
Molecular consequence: intron variant.
Genome position (GRCh38, 1-based): chr17:31,258,057, G>A. VCF-style: chr17-31258057-G-A. GRCh37 (hg19) VCF-style: chr17-29585075-G-A.
Other names: c.4111-287G>A (NM_000267.4).
Identifiers: ClinVar variation 561911 (VCV000561911.1), dbSNP rs111911700, ClinGen allele CA289350313.